The following is an entry in ClinVar:

NM_002519.3(NPAT):c.3496A>G (p.Asn1166Asp)

Gene: NPAT (nuclear protein, coactivator of histone transcription; minus strand). Cytogenetic location: 11q22.3.
Variant type: single nucleotide variant.
Coding change: c.3496A>G on transcript NM_002519.3 (MANE Select); coding-DNA position 3496, A replaced by G.
Protein change: p.Asn1166Asp; replaces asparagine 1166 with aspartic acid.
Molecular consequence: missense variant.
Genome position (GRCh38, 1-based): chr11:108,161,590, T>C on the plus strand (A>G on the coding strand, the complement: NPAT is on the minus strand). VCF-style: chr11-108161590-T-C. GRCh37 (hg19) VCF-style: chr11-108032317-T-C.
Other names: c.3517A>G, p.Asn1173Asp (NM_001321307.1); short protein forms N1166D, N1173D.
Identifiers: ClinVar variation 3300709 (VCV003300709.1).
Genomic context (GRCh38, chr11:108,161,590, plus strand): 5'-GTTTTGAATTTTCTGGATTTTTCTGTCTTTCTACATCGCTGCATAATTCATTCTCCTTAT[T>C]AGCTGTTGCTTTATGGAAAGATTCAAGCACAATTTCTGTTGGTGAAACTTTCTTTTCTGA-3'
Protein context (NP_002510.2, residues 1156-1176): VLESFHKATA[Asn1166Asp]KENELCSDVE

ClinVar aggregate classification (germline): Uncertain significance (1 of 4 stars; one submission).

gnomAD v4.1: 1 of 1,614,214 alleles (0.000062%); highest among the groups gnomAD compares: Admixed American, 0.0017%; no homozygotes.

Submission:

Ambry Genetics
Classification: Uncertain significance. Last evaluated: 2024-06-05. Review status: criteria provided, single submitter. Criteria: Ambry Variant Classification Scheme 2023. Collection method: clinical testing. Allele origin: germline.
Comment: The p.N1166D variant (also known as c.3496A>G), located in coding exon 17 of the NPAT gene, results from an A to G substitution at nucleotide position 3496. The asparagine at codon 1166 is replaced by aspartic acid, an amino acid with highly similar properties. This amino acid position is conserved. In addition, this alteration is predicted to be tolerated by in silico analysis. Based on the available evidence, the clinical significance of this variant remains unclear.